The following is an entry in ClinVar:

ClinVar aggregate classification (germline): Uncertain significance (1 of 4 stars; one submission).

Conditions:
Autosomal dominant polycystic kidney disease. Identifiers: Orphanet 730, MedGen C0085413, MONDO:0004691.

Submission:

Labcorp Genetics (formerly Invitae), Labcorp
Classification: Uncertain significance for Autosomal dominant polycystic kidney disease. Last evaluated: 2024-04-22. Review status: criteria provided, single submitter. Criteria: Invitae Variant Classification Sherloc (09022015). Collection method: clinical testing. Allele origin: germline.
Comment: This sequence change replaces phenylalanine, which is neutral and non-polar, with leucine, which is neutral and non-polar, at codon 604 of the PKD2 protein (p.Phe604Leu). This variant is not present in population databases (gnomAD no frequency). This variant has not been reported in the literature in individuals affected with PKD2-related conditions. Advanced modeling of protein sequence and biophysical properties (such as structural, functional, and spatial information, amino acid conservation, physicochemical variation, residue mobility, and thermodynamic stability) performed at Invitae indicates that this missense variant is not expected to disrupt PKD2 protein function with a negative predictive value of 80%. In summary, the available evidence is currently insufficient to determine the role of this variant in disease. Therefore, it has been classified as a Variant of Uncertain Significance.

NM_000297.4(PKD2):c.1812C>G (p.Phe604Leu)

Gene: PKD2 (polycystin 2, transient receptor potential cation channel; plus strand). Cytogenetic location: 4q22.1.
Variant type: single nucleotide variant.
Coding change: c.1812C>G on transcript NM_000297.4 (MANE Select); coding-DNA position 1812, C replaced by G.
Protein change: p.Phe604Leu; replaces phenylalanine 604 with leucine.
Molecular consequence: missense variant. On other transcripts: non-coding transcript variant (1).
Genome position (GRCh38, 1-based): chr4:88,056,181, C>G. VCF-style: chr4-88056181-C-G. GRCh37 (hg19) VCF-style: chr4-88977333-C-G.
Other names: short protein forms F604L.
Identifiers: ClinVar variation 3650553 (VCV003650553.2).